The following is an entry in ClinVar:

NM_001098.3(ACO2):c.1770G>A (p.Gly590=)

Genes: ACO2 (aconitase 2; plus strand), POLR3H (RNA polymerase III subunit H; minus strand). Cytogenetic location: 22q13.2.
Variant type: single nucleotide variant.
Coding change: c.1770G>A on transcript NM_001098.3 (MANE Select); coding-DNA position 1770, G replaced by A.
Protein change: p.Gly590=; no amino-acid change (glycine 590 retained).
Molecular consequence: synonymous variant. On other transcripts: 3 prime UTR variant (5).
Genome position (GRCh38, 1-based): chr22:41,526,270, G>A. VCF-style: chr22-41526270-G-A. GRCh37 (hg19) VCF-style: chr22-41922274-G-A.
Other names: c.*3013C>T (NM_001018050.4, NM_001018052.4, NM_001282884.2 and 2 more transcripts).
Identifiers: ClinVar variation 514779 (VCV000514779.10), dbSNP rs759403718, ClinGen allele CA10257784.

ClinVar aggregate classification (germline): Likely benign. Review status: criteria provided, multiple submitters, no conflicts (2 of 4 stars). 4 submissions from 4 submitters: Likely benign (4). Last evaluated 2026-08-01.

Allele frequency attached by ClinVar (database versions not stated): gnomAD exomes 0.00001; ExAC 0.00002; TOPMed 0.00002; gnomAD 0.00003 and 0.00004.
gnomAD v4.1: 21 of 1,611,778 alleles (0.0013%); highest among the groups gnomAD compares: Admixed American, 0.0017%; no homozygotes.

Submissions (4):

CeGaT Center for Human Genetics Tuebingen
Classification: Likely benign. Last evaluated: 2026-08-01. Review status: criteria provided, single submitter. Criteria: CeGaT Center For Human Genetics Tuebingen Variant Classification Criteria Version 2. Collection method: clinical testing. Allele origin: germline. Affected: yes. Observed: 1 variant allele.
Comment: ACO2: BP4, BP7

Labcorp Genetics (formerly Invitae), Labcorp
Classification: Likely benign. Last evaluated: 2024-10-15. Review status: criteria provided, single submitter. Criteria: Invitae Variant Classification Sherloc (09022015). Collection method: clinical testing. Allele origin: germline.

Blueprint Genetics
Classification: Likely benign. Last evaluated: 2022-08-19. Review status: criteria provided, single submitter. Criteria: ACMG Guidelines, 2015. Collection method: clinical testing. Allele origin: germline.

GeneDx
Classification: Likely benign. Last evaluated: 2018-01-22. Review status: criteria provided, single submitter. Criteria: GeneDx Variant Classification (06012015). Collection method: clinical testing. Allele origin: germline. Affected: yes.
Comment: This variant is considered likely benign or benign based on one or more of the following criteria: it is a conservative change, it occurs at a poorly conserved position in the protein, it is predicted to be benign by multiple in silico algorithms, and/or has population frequency not consistent with disease.